The following is an entry in ClinVar:

NM_080425.4(GNAS):c.1371G>C (p.Ala457=)

Gene: GNAS (GNAS complex locus; plus strand). Cytogenetic location: 20q13.32.
Variant type: single nucleotide variant.
Coding change: c.1371G>C on transcript NM_080425.4 (MANE Plus Clinical); coding-DNA position 1371, G replaced by C.
Protein change: p.Ala457=; no amino-acid change (alanine 457 retained).
Molecular consequence: synonymous variant. On other transcripts: missense variant (2), intron variant (3).
Genome position (GRCh38, 1-based): chr20:58,854,636, G>C. VCF-style: chr20-58854636-G-C. GRCh37 (hg19) VCF-style: chr20-57429691-G-C.
Other names: c.1184G>C, p.Arg395Pro (NM_001077490.3, NM_001309883.1); c.1371G>C, p.Ala457= (NM_001410913.1); c.*42+13750G>C (NM_016592.5); c.43+13750G>C (NM_001410912.1); c.-39+12761G>C (NM_001309861.2); short protein forms R395P.
Identifiers: ClinVar variation 4984723 (VCV004984723.1).
Genomic context (GRCh38, chr20:58,854,636, plus strand): 5'-CCCAGCCGATCCCGACTCCGGGGCGGCCCCTGACGCCCCAGCCGATCCCGACTCCGGGGC[G>C]GCCCCTGACGCCCCAGCCGATCCAGATGCCGGGGCGGCCCCTGAGGCTCCCGCCGCCCCT-3'
Protein context (NP_536350.2, residues 447-467): PDAPADPDSG[Ala457=]APDAPADPDA

ClinVar aggregate classification (germline): Uncertain significance (1 of 4 stars; one submission).

Conditions:
GNAS-related disorder. Identifiers: MedGen CN380105.

gnomAD v4.1: 33 of 1,532,658 alleles (0.0022%); highest among the groups gnomAD compares: Non-Finnish European, 0.0027%; no homozygotes.

Submission:

PreventionGenetics, part of Exact Sciences
Classification: Uncertain significance for GNAS-related condition. Last evaluated: 2025-12-15. Review status: criteria provided, single submitter. Criteria: ACMG Guidelines, 2015. Collection method: clinical testing. Allele origin: germline.
Comment: The GNAS c.1184G>C variant is predicted to result in the amino acid substitution p.Arg395Pro. To our knowledge, this variant has not been reported in the literature. This variant is reported in 0.0021% of alleles in individuals of European (Non-Finnish) descent in gnomAD. At this time, the clinical significance of this variant is uncertain due to the absence of conclusive functional and genetic evidence.